The following is an entry in ClinVar:

NM_054012.4(ASS1):c.574G>A (p.Ala192Thr)

Gene: ASS1 (argininosuccinate synthase 1; plus strand). Cytogenetic location: 9q34.11.
Variant type: single nucleotide variant.
Coding change: c.574G>A on transcript NM_054012.4 (MANE Select); coding-DNA position 574, G replaced by A.
Protein change: p.Ala192Thr; replaces alanine 192 with threonine.
Molecular consequence: missense variant.
Genome position (GRCh38, 1-based): chr9:130,471,492, G>A. VCF-style: chr9-130471492-G-A. GRCh37 (hg19) VCF-style: chr9-133346879-G-A.
Other names: c.574G>A, p.Ala192Thr (NM_000050.4); short protein forms A192T.
Identifiers: ClinVar variation 939049 (VCV000939049.7), dbSNP rs568893606, ClinGen allele CA200617909.
Genomic context (GRCh38, chr9:130,471,492, plus strand): 5'-GGACATGCCATGTCCCTCCCCAGCTGACCCTGTCTTTCCTTTCCCCTCCGCAGCTACGAG[G>A]CTGGAATCCTGGAGAACCCCAAGGTAATCCCCCAAACCCCATCTCCTCCCAGCTGGCCAC-3'
Protein context (NP_446464.1, residues 182-202): DENLMHISYE[Ala192Thr]GILENPKNQA

ClinVar aggregate classification (germline): Uncertain significance (1 of 4 stars; one submission).

Conditions:
Citrullinemia. Identifiers: Orphanet 187, MedGen C0175683, MONDO:0015991.

Allele frequency attached by ClinVar (database versions not stated): gnomAD exomes below 0.00001; gnomAD 0.00001; 1000 Genomes Project 0.00020; 1000 Genomes Project 30x 0.00031.
gnomAD v4.1: 2 of 1,614,148 alleles (0.00012%); highest among the groups gnomAD compares: Admixed American, 0.0033%; no homozygotes.

Submission:

Labcorp Genetics (formerly Invitae), Labcorp
Classification: Uncertain significance for Citrullinemia. Last evaluated: 2021-08-31. Review status: criteria provided, single submitter. Criteria: Invitae Variant Classification Sherloc (09022015). Collection method: clinical testing. Allele origin: germline.
Comment: This sequence change replaces alanine with threonine at codon 192 of the ASS1 protein (p.Ala192Thr). The alanine residue is moderately conserved and there is a small physicochemical difference between alanine and threonine. This variant is not present in population databases (ExAC no frequency). This variant has not been reported in the literature in individuals affected with ASS1-related conditions. Algorithms developed to predict the effect of missense changes on protein structure and function are either unavailable or do not agree on the potential impact of this missense change (SIFT: "Deleterious"; PolyPhen-2: "Benign"; Align-GVGD: "Class C0"). In summary, the available evidence is currently insufficient to determine the role of this variant in disease. Therefore, it has been classified as a Variant of Uncertain Significance.